The following is an entry in ClinVar:

ClinVar aggregate classification (germline): Likely benign (1 of 4 stars; one submission).

Submission:

CeGaT Center for Human Genetics Tuebingen
Classification: Likely benign. Last evaluated: 2022-11-01. Review status: criteria provided, single submitter. Criteria: CeGaT Center For Human Genetics Tuebingen Variant Classification Criteria Version 2. Collection method: clinical testing. Allele origin: germline. Affected: yes. Observed: 1 variant allele.
Comment: OR10H1: PM2:Supporting, BP4, BP7

NM_013940.4(OR10H1):c.171G>C (p.Thr57=)

Gene: OR10H1 (olfactory receptor family 10 subfamily H member 1; minus strand). Cytogenetic location: 19p13.12.
Variant type: single nucleotide variant.
Coding change: c.171G>C on transcript NM_013940.4 (MANE Select); coding-DNA position 171, G replaced by C.
Protein change: p.Thr57=; no amino-acid change (threonine 57 retained).
Molecular consequence: synonymous variant.
Genome position (GRCh38, 1-based): chr19:15,807,867, C>G on the plus strand (G>C on the coding strand, the complement: OR10H1 is on the minus strand). VCF-style: chr19-15807867-C-G. GRCh37 (hg19) VCF-style: chr19-15918677-C-G.
Identifiers: ClinVar variation 2649506 (VCV002649506.24), dbSNP rs370227017, ClinGen allele CA506084677.